The following is an entry in ClinVar:

NM_000260.4(MYO7A):c.5495G>A (p.Arg1832Gln)

Gene: MYO7A (myosin VIIA; plus strand). Cytogenetic location: 11q13.5.
Variant type: single nucleotide variant.
Coding change: c.5495G>A on transcript NM_000260.4 (MANE Select); coding-DNA position 5495, G replaced by A.
Protein change: p.Arg1832Gln; replaces arginine 1832 with glutamine.
Molecular consequence: missense variant.
Genome position (GRCh38, 1-based): chr11:77,205,476, G>A. VCF-style: chr11-77205476-G-A. GRCh37 (hg19) VCF-style: chr11-76916521-G-A.
Other names: c.5381G>A, p.Arg1794Gln (NM_001127180.2); c.5348G>A, p.Arg1783Gln (NM_001369365.1); short protein forms R1832Q, R1783Q, R1794Q.
Identifiers: ClinVar variation 178494 (VCV000178494.16), dbSNP rs372768607, ClinGen allele CA182436.

ClinVar aggregate classification (germline): Conflicting classifications of pathogenicity. Review status: criteria provided, conflicting classifications (1 of 4 stars). 7 submissions from 7 submitters: Uncertain significance (4); Likely benign (1). 2 of the submissions do not count toward it. Last evaluated 2026-09-01.

Conditions:
MYO7A-related disorder. Also called: MYO7A-related disorders.
Usher syndrome type 1B (USH1B). Also called: Usher syndrome type IB. Identifiers: MedGen C1848638, MONDO:0700087.
Autosomal dominant nonsyndromic hearing loss 11. Identifiers: Orphanet 90635, MedGen C1832475, MONDO:0011032, OMIM 601317.

Allele frequency attached by ClinVar (database versions not stated): gnomAD exomes 0.00007; ExAC 0.00015; 1000 Genomes Project 0.00020; ESP Exome Variant Server 0.00024; gnomAD 0.00025 and 0.00028; 1000 Genomes Project 30x 0.00031; TOPMed 0.00034.
gnomAD v4.1: 98 of 1,578,034 alleles (0.0062%); highest among the groups gnomAD compares: African/African-American, 0.093%; no homozygotes.

Submissions (7):

GeneDx
Classification: Uncertain significance. Last evaluated: 2026-09-01. Review status: criteria provided, single submitter. Criteria: GeneDx Variant Classification Process June 2021. Collection method: clinical testing. Allele origin: germline.
Comment: Reported in association with Usher syndrome in published literature (PMID: 31816670); however, no other variant or clinical information was provided; In silico analysis supports that this missense variant has a deleterious effect on protein structure/function; This variant is associated with the following publications: (PMID: 31816670)

PreventionGenetics, part of Exact Sciences
Classification: Uncertain significance for MYO7A-related condition. Last evaluated: 2026-04-29. Review status: criteria provided, single submitter. Criteria: ACMG Guidelines, 2015. Collection method: clinical testing. Allele origin: germline.
Comment: The MYO7A c.5495G>A variant is predicted to result in the amino acid substitution p.Arg1832Gln. This variant was reported in an individual with Usher syndrome (Yohe et al. 2020. PubMed ID: 31816670). This variant is reported in 0.079% of alleles in individuals of African descent in gnomAD. Although we suspect that this variant may be benign, at this time, the clinical significance of this variant is uncertain due to the absence of conclusive functional and genetic evidence.

Labcorp Genetics (formerly Invitae), Labcorp
Classification: Likely benign. Last evaluated: 2025-12-03. Review status: criteria provided, single submitter. Criteria: Invitae Variant Classification Sherloc (09022015). Collection method: clinical testing. Allele origin: germline.

Revvity Omics, Revvity
Classification: Uncertain significance. Last evaluated: 2025-06-09. Review status: criteria provided, single submitter. Criteria: ACMG Guidelines, 2015. Collection method: clinical testing. Allele origin: germline.

Laboratory for Molecular Medicine, Mass General Brigham Personalized Medicine
Classification: Uncertain significance. Last evaluated: 2014-04-11. Review status: criteria provided, single submitter. Criteria: LMM Criteria. Collection method: clinical testing. Allele origin: germline. Observed: 1 variant allele.
Comment: The Arg1832Gln variant in MYO7A has not been previously reported in individuals with hearing loss, but has been identified in 0.07% (3/4216) of African American chromosomes by the NHLBI Exome Sequencing Project (/EVS/). Computational analyses (biochemical amino acid properties, conservation , AlignGVGD, PolyPhen2, and SIFT) do not provide strong support for or against a n impact to the protein. In summary, the clinical significance of the Arg1832Gln variant is uncertain.

Natera, Inc.
Classification: Uncertain significance for Usher syndrome type 1B. Last evaluated: 2019-11-11. Review status: no assertion criteria provided. Collection method: clinical testing. Allele origin: germline. Not counted in ClinVar's aggregate classification.

Division of Human Genetics, Children's Hospital of Philadelphia
Classification: Uncertain significance for Autosomal dominant nonsyndromic hearing loss 11. Last evaluated: 2015-09-21. Review status: no assertion criteria provided. Collection method: research. Allele origin: germline. Affected: yes. Study: CSER-PediSeq. Not counted in ClinVar's aggregate classification.